The following is an entry in ClinVar:

ClinVar aggregate classification (germline): Uncertain significance (1 of 4 stars; one submission).

Conditions:
Developmental and epileptic encephalopathy, 12 (DEE12). Identifiers: MedGen C3150988, MONDO:0013389, OMIM 613722.

Allele frequency attached by ClinVar (database versions not stated): gnomAD exomes below 0.00001.

Submission:

Labcorp Genetics (formerly Invitae), Labcorp
Classification: Uncertain significance for Developmental and epileptic encephalopathy, 12. Last evaluated: 2022-06-27. Review status: criteria provided, single submitter. Criteria: Invitae Variant Classification Sherloc (09022015). Collection method: clinical testing. Allele origin: germline.
Comment: Algorithms developed to predict the effect of missense changes on protein structure and function (SIFT, PolyPhen-2, Align-GVGD) all suggest that this variant is likely to be tolerated. ClinVar contains an entry for this variant (Variation ID: 1060221). This variant has not been reported in the literature in individuals affected with PNKP-related conditions. This variant is not present in population databases (gnomAD no frequency). This sequence change replaces glutamic acid, which is acidic and polar, with lysine, which is basic and polar, at codon 356 of the PNKP protein (p.Glu356Lys). Algorithms developed to predict the effect of sequence changes on RNA splicing suggest that this variant may create or strengthen a splice site. In summary, the available evidence is currently insufficient to determine the role of this variant in disease. Therefore, it has been classified as a Variant of Uncertain Significance.

NM_007254.4(PNKP):c.1066G>A (p.Glu356Lys)

Gene: PNKP (polynucleotide kinase 3'-phosphatase; minus strand). Cytogenetic location: 19q13.33.
Variant type: single nucleotide variant.
Coding change: c.1066G>A on transcript NM_007254.4 (MANE Select); coding-DNA position 1066, G replaced by A.
Protein change: p.Glu356Lys; replaces glutamic acid 356 with lysine.
Molecular consequence: missense variant.
Genome position (GRCh38, 1-based): chr19:49,862,245, C>T on the plus strand (G>A on the coding strand, the complement: PNKP is on the minus strand). VCF-style: chr19-49862245-C-T. GRCh37 (hg19) VCF-style: chr19-50365502-C-T.
Other names: short protein forms E356K.
Identifiers: ClinVar variation 1060221 (VCV001060221.8), dbSNP rs1170743406, ClinGen allele CA406879950.